The following is an entry in ClinVar:

NM_206937.2(LIG4):c.796C>T (p.Gln266Ter)

Gene: LIG4 (DNA ligase 4; minus strand). Cytogenetic location: 13q33.3.
Variant type: single nucleotide variant.
Coding change: c.796C>T on transcript NM_206937.2 (MANE Select); coding-DNA position 796, C replaced by T.
Protein change: p.Gln266Ter; replaces glutamine 266 with a stop codon.
Molecular consequence: nonsense.
Genome position (GRCh38, 1-based): chr13:108,210,473, G>A on the plus strand (C>T on the coding strand, the complement: LIG4 is on the minus strand). VCF-style: chr13-108210473-G-A. GRCh37 (hg19) VCF-style: chr13-108862821-G-A.
Other names: c.796C>T, p.Gln266Ter (NM_001098268.2, NM_001352598.2, NM_001352599.2 and 6 more transcripts); c.595C>T, p.Gln199Ter (NM_001330595.2); c.832C>T, p.Gln278Ter (NM_001352604.2); short protein forms Q199*, Q266*, Q278*.
Identifiers: ClinVar variation 4883475 (VCV004883475.2).

ClinVar aggregate classification (germline): Likely pathogenic (1 of 4 stars; one submission).

Submission:

Dasa
Classification: Likely pathogenic. Last evaluated: 2026-02-24. Review status: criteria provided, single submitter. Criteria: DASA Assertion Criteria. Collection method: clinical testing. Allele origin: germline.
Comment: NM_206937.2(LIG4):c.796C>T (p.Gln266*) is a nonsense variant in LIG4 predicted to introduce a premature termination codon and is predicted to result in an absent or altered protein product. Loss of function is an established disease mechanism for LIG4-associated disorders. Also, this variant is rare in population databases. Based on the currently available evidence, this variant is classified as likely pathogenic.